The following is an entry in ClinVar:

ClinVar aggregate classification (germline): Pathogenic. Review status: criteria provided, multiple submitters, no conflicts (2 of 4 stars). 6 submissions from 6 submitters: Pathogenic (5). 1 of the submissions does not count toward it. Last evaluated 2024-10-31.

Conditions:
Autosomal recessive limb-girdle muscular dystrophy. Identifiers: Orphanet 102015, MedGen C2931907, MONDO:0015152.
Muscular dystrophy-dystroglycanopathy (congenital with brain and eye anomalies), type A2. Also called: WALKER-WARBURG SYNDROME OR MUSCLE-EYE-BRAIN DISEASE, POMT2-RELATED; MUSCULAR DYSTROPHY-DYSTROGLYCANOPATHY (CONGENITAL WITH BRAIN AND EYE ANOMALIES), TYPE A, 2. Identifiers: Orphanet 588, Orphanet 899, MedGen C3150411, MONDO:0013154, OMIM 613150.
Muscular dystrophy-dystroglycanopathy (congenital with impaired intellectual development), type B, 2. Also called: MUSCULAR DYSTROPHY, CONGENITAL, POMT2-RELATED; Muscular dystrophy-dystroglycanopathy (congenital with intellectual disability), type B2. Identifiers: MedGen C3150416, MONDO:0013160, OMIM 613156.
Autosomal recessive limb-girdle muscular dystrophy type 2N. Also called: Muscular dystrophy-dystroglycanopathy (limb-girdle), type C, 2; MUSCULAR DYSTROPHY-DYSTROGLYCANOPATHY, LIMB-GIRDLE, POMT2-RELATED. Identifiers: Orphanet 206559, MedGen C3150418, MONDO:0013162, OMIM 613158.

Allele frequency attached by ClinVar (database versions not stated): gnomAD 0.00001; TOPMed 0.00002.
gnomAD v4.1: 18 of 1,613,218 alleles (0.0011%); highest among the groups gnomAD compares: East Asian, 0.0022%; no homozygotes.

Submissions (6):

Labcorp Genetics (formerly Invitae), Labcorp
Classification: Pathogenic for Muscular dystrophy-dystroglycanopathy (congenital with impaired intellectual development), type B, 2; Muscular dystrophy-dystroglycanopathy (congenital with brain and eye anomalies), type A2; Autosomal recessive limb-girdle muscular dystrophy type 2N. Last evaluated: 2024-10-31. Review status: criteria provided, single submitter. Criteria: Invitae Variant Classification Sherloc (09022015). Collection method: clinical testing. Allele origin: germline.
Comment: This sequence change creates a premature translational stop signal (p.Arg638*) in the POMT2 gene. It is expected to result in an absent or disrupted protein product. Loss-of-function variants in POMT2 are known to be pathogenic (PMID: 15894594). This variant is not present in population databases (gnomAD no frequency). This premature translational stop signal has been observed in individual(s) with Walker-Warburg syndrome (PMID: 15894594). ClinVar contains an entry for this variant (Variation ID: 3218). For these reasons, this variant has been classified as Pathogenic.

Fulgent Genetics
Classification: Pathogenic for Muscular dystrophy-dystroglycanopathy (congenital with brain and eye anomalies), type A2; Muscular dystrophy-dystroglycanopathy (congenital with impaired intellectual development), type B, 2; Autosomal recessive limb-girdle muscular dystrophy type 2N. Last evaluated: 2024-01-08. Review status: criteria provided, single submitter. Criteria: ACMG Guidelines, 2015. Collection method: clinical testing. Allele origin: germline.

Baylor Genetics
Classification: Pathogenic for Muscular dystrophy-dystroglycanopathy (congenital with brain and eye anomalies), type A2. Last evaluated: 2023-12-23. Review status: criteria provided, single submitter. Criteria: ACMG Guidelines, 2015. Collection method: clinical testing. Allele origin: unknown.

Women's Health and Genetics/Laboratory Corporation of America, LabCorp
Classification: Pathogenic for Autosomal recessive limb-girdle muscular dystrophy. Last evaluated: 2023-04-17. Review status: criteria provided, single submitter. Criteria: LabCorp Variant Classification Summary - May 2015. Collection method: clinical testing. Allele origin: germline.
Comment: Variant summary: POMT2 c.1912C>T (p.Arg638X) results in a premature termination codon, predicted to cause a truncation of the encoded protein or absence of the protein due to nonsense mediated decay, which are commonly known mechanisms for disease. The variant was absent in 250248 control chromosomes (gnomAD). c.1912C>T has been reported in the literature in a homozygous individual affected with Walker-Warburg syndrome (van Reeuwijk_2005) and in the compound heterozygous state in an individual affected with congenital muscular dystrophy (Sanga_2021). These data indicate that the variant is likely associated with disease. To our knowledge, no experimental evidence demonstrating an impact on protein function has been reported. Two clinical diagnostic laboratories have submitted clinical-significance assessments for this variant to ClinVar after 2014 and both classified the variant as pathogenic. Based on the evidence outlined above, the variant was classified as pathogenic.

Eurofins Ntd Llc (ga)
Classification: Pathogenic. Last evaluated: 2015-10-30. Review status: criteria provided, single submitter. Criteria: EGL Classification Definitions 2015. Collection method: clinical testing. Allele origin: germline. Observed: 1 variant allele, 1 heterozygote.

OMIM
Classification: Pathogenic for MUSCULAR DYSTROPHY-DYSTROGLYCANOPATHY (CONGENITAL WITH BRAIN AND EYE ANOMALIES), TYPE A, 2. Last evaluated: 2005-12-01. Review status: no assertion criteria provided. Collection method: literature only. Allele origin: germline. Not counted in ClinVar's aggregate classification.

Literature cited by the submitters: PubMed 15894594 (cited by 3 submitters); PubMed 33124102 (cited by Women's Health and Genetics/Laboratory Corporation of America, LabCorp).

NM_013382.7(POMT2):c.1912C>T (p.Arg638Ter)

Gene: POMT2 (protein O-mannosyltransferase 2; minus strand). Cytogenetic location: 14q24.3.
Variant type: single nucleotide variant.
Coding change: c.1912C>T on transcript NM_013382.7 (MANE Select); coding-DNA position 1912, C replaced by T.
Protein change: p.Arg638Ter; replaces arginine 638 with a stop codon.
Molecular consequence: nonsense.
Genome position (GRCh38, 1-based): chr14:77,278,849, G>A on the plus strand (C>T on the coding strand, the complement: POMT2 is on the minus strand). VCF-style: chr14-77278849-G-A. GRCh37 (hg19) VCF-style: chr14-77745192-G-A.
Other names: c.1912C>T (NM_013382.5); short protein forms R638*.
Identifiers: ClinVar variation 3218 (VCV000003218.12), dbSNP rs119463989, ClinGen allele CA252628.